The following is an entry in ClinVar:

NM_000548.5(TSC2):c.4877C>T (p.Pro1626Leu)

Gene: TSC2 (TSC complex subunit 2; plus strand). Cytogenetic location: 16p13.3.
Variant type: single nucleotide variant.
Coding change: c.4877C>T on transcript NM_000548.5 (MANE Select); coding-DNA position 4877, C replaced by T.
Protein change: p.Pro1626Leu; replaces proline 1626 with leucine.
Molecular consequence: missense variant.
Genome position (GRCh38, 1-based): chr16:2,086,759, C>T. VCF-style: chr16-2086759-C-T. GRCh37 (hg19) VCF-style: chr16-2136760-C-T.
Other names: c.4676C>T, p.Pro1559Leu (NM_001077183.3); c.4808C>T, p.Pro1603Leu (NM_001114382.3); c.4568C>T, p.Pro1523Leu (NM_001318827.2); c.4532C>T, p.Pro1511Leu (NM_001318829.2); c.4145C>T, p.Pro1382Leu (NM_001318831.2); c.4709C>T, p.Pro1570Leu (NM_001318832.2); c.4679C>T, p.Pro1560Leu (NM_001363528.2); c.4745C>T, p.Pro1582Leu (NM_001370404.1); and 26 more; short protein forms P1382L, P1402L, P1511L, P1522L, P1559L, P1566L, P1134L, P1360L.
Identifiers: ClinVar variation 2102808 (VCV002102808.3), dbSNP rs2151584994, ClinGen allele CA394308323.
Genomic context (GRCh38, chr16:2,086,759, plus strand): 5'-CCCACAAACCCATCCGGCCCTGCTCACCCTCAGCCGTCTTCCACATCGCCACCCTGATGC[C>T]CACCAAGGACGTGGACAAGCACCGCTGCGACAAGAAGCGCCACCTGGGCAACGACTTTGT-3'
Protein context (NP_000539.2, residues 1616-1636): QAVFHIATLM[Pro1626Leu]TKDVDKHRCD

ClinVar aggregate classification (germline): Uncertain significance. Review status: criteria provided, multiple submitters, no conflicts (2 of 4 stars). 2 submissions from 2 submitters: Uncertain significance (2). Last evaluated 2026-03-25.

Conditions:
Hereditary cancer-predisposing syndrome. Also called: Neoplastic Syndromes, Hereditary; Tumor predisposition; Hereditary Cancer Syndrome; Hereditary neoplastic syndrome. Identifiers: Orphanet 140162, MedGen C0027672, MeSH D009386, MONDO:0015356.
Tuberous sclerosis 2 (TSC2). Identifiers: Orphanet 805, MedGen C1860707, MONDO:0013199, OMIM 613254.

Submissions (2):

Ambry Genetics
Classification: Uncertain significance for Hereditary cancer-predisposing syndrome. Last evaluated: 2026-03-25. Review status: criteria provided, single submitter. Criteria: Ambry Variant Classification Scheme 2023. Collection method: clinical testing. Allele origin: germline.
Comment: The p.P1626L variant (also known as c.4877C>T), located in coding exon 37 of the TSC2 gene, results from a C to T substitution at nucleotide position 4877. The proline at codon 1626 is replaced by leucine, an amino acid with similar properties. This amino acid position is conserved. In addition, this alteration is predicted to be deleterious by in silico analysis. Based on the available evidence, the clinical significance of this variant remains unclear.

Labcorp Genetics (formerly Invitae), Labcorp
Classification: Uncertain significance for Tuberous sclerosis 2. Last evaluated: 2022-02-24. Review status: criteria provided, single submitter. Criteria: Invitae Variant Classification Sherloc (09022015). Collection method: clinical testing. Allele origin: germline.
Comment: This sequence change replaces proline, which is neutral and non-polar, with leucine, which is neutral and non-polar, at codon 1626 of the TSC2 protein (p.Pro1626Leu). This variant is not present in population databases (gnomAD no frequency). This variant has not been reported in the literature in individuals affected with TSC2-related conditions. Advanced modeling of protein sequence and biophysical properties (such as structural, functional, and spatial information, amino acid conservation, physicochemical variation, residue mobility, and thermodynamic stability) performed at Invitae indicates that this missense variant is expected to disrupt TSC2 protein function. In summary, the available evidence is currently insufficient to determine the role of this variant in disease. Therefore, it has been classified as a Variant of Uncertain Significance.